The following is an entry in ClinVar:

ClinVar aggregate classification (germline): Uncertain significance. Review status: criteria provided, multiple submitters, no conflicts (2 of 4 stars). 2 submissions from 2 submitters: Uncertain significance (2). Last evaluated 2025-11-17.

Submissions (2):

Labcorp Genetics (formerly Invitae), Labcorp
Classification: Uncertain significance. Last evaluated: 2025-11-17. Review status: criteria provided, single submitter. Criteria: Invitae Variant Classification Sherloc (09022015). Collection method: clinical testing. Allele origin: germline.
Comment: This sequence change replaces serine, which is neutral and polar, with cysteine, which is neutral and slightly polar, at codon 633 of the STAG2 protein (p.Ser633Cys). This variant is not present in population databases (gnomAD no frequency). This variant has not been reported in the literature in individuals affected with STAG2-related conditions. ClinVar contains an entry for this variant (Variation ID: 3235805). Invitae Evidence Modeling of protein sequence and biophysical properties (such as structural, functional, and spatial information, amino acid conservation, physicochemical variation, residue mobility, and thermodynamic stability) indicates that this missense variant is expected to disrupt STAG2 protein function with a positive predictive value of 80%. In summary, the available evidence is currently insufficient to determine the role of this variant in disease. Therefore, it has been classified as a Variant of Uncertain Significance.

Greenwood Genetic Center Diagnostic Laboratories, Greenwood Genetic Center
Classification: Uncertain significance. Last evaluated: 2024-01-09. Review status: criteria provided, single submitter. Criteria: ACMG Guidelines, 2015. Collection method: clinical testing. Allele origin: germline. Affected: yes.
Comment: PM2, PP2, PP3

NM_001042750.2(STAG2):c.1898C>G (p.Ser633Cys)

Gene: STAG2 (STAG2 cohesin complex component; plus strand). Cytogenetic location: Xq25.
Variant type: single nucleotide variant.
Coding change: c.1898C>G on transcript NM_001042750.2 (MANE Select); coding-DNA position 1898, C replaced by G.
Protein change: p.Ser633Cys; replaces serine 633 with cysteine.
Molecular consequence: missense variant.
Genome position (GRCh38, 1-based): chrX:124,063,924, C>G. VCF-style: chrX-124063924-C-G. GRCh37 (hg19) VCF-style: chrX-123197774-C-G.
Other names: c.1898C>G, p.Ser633Cys (NM_001042749.2, NM_001042751.2, NM_001282418.2 and 13 more transcripts); short protein forms S633C.
Identifiers: ClinVar variation 3235805 (VCV003235805.2), dbSNP rs2148326391, ClinGen allele CA414272776.